The following is an entry in ClinVar:

NM_016284.5(CNOT1):c.807-7G>A

Gene: CNOT1 (CCR4-NOT transcription complex subunit 1; minus strand). Cytogenetic location: 16q21.
Variant type: single nucleotide variant.
Coding change: c.807-7G>A on transcript NM_016284.5 (MANE Select); 7 bases into the intron before coding-DNA position 807, G replaced by A.
Molecular consequence: intron variant.
Genome position (GRCh38, 1-based): chr16:58,583,189, C>T on the plus strand (G>A on the coding strand, the complement: CNOT1 is on the minus strand). VCF-style: chr16-58583189-C-T. GRCh37 (hg19) VCF-style: chr16-58617093-C-T.
Other names: c.807-7G>A (NM_001265612.2, NM_206999.3).
Identifiers: ClinVar variation 4883194 (VCV004883194.2).

ClinVar aggregate classification (germline): Uncertain significance (1 of 4 stars; one submission).

Submission:

Dasa
Classification: Uncertain significance. Last evaluated: 2024-12-04. Review status: criteria provided, single submitter. Criteria: DASA Assertion Criteria. Collection method: clinical testing. Allele origin: germline.
Comment: NM_016284.5(CNOT1):c.807-7G>A is a splice-region variant. This variant is absent from population databases. Computational prediction algorithms are consistent with a benign effect. The currently available literature and clinical evidence are not sufficient to establish a definitive association between this variant and the reported condition. Therefore, this variant is classified as a variant of uncertain significance.